The following is an entry in ClinVar:

ClinVar aggregate classification (germline): Conflicting classifications of pathogenicity. Review status: criteria provided, conflicting classifications (1 of 4 stars). 13 submissions from 13 submitters: Uncertain significance (8); Likely benign (4). 1 of the submissions does not count toward it. Last evaluated 2025-12-24.

Conditions:
STK11-related disorder. Also called: STK11-related condition.
Hereditary cancer-predisposing syndrome. Also called: Tumor predisposition; Neoplastic Syndromes, Hereditary; Hereditary neoplastic syndrome; Hereditary Cancer Syndrome. Identifiers: Orphanet 140162, MedGen C0027672, MeSH D009386, MONDO:0015356.
Peutz-Jeghers syndrome (PJS). Also called: Peutz-Jeghers polyposis; Periorificial lentiginosis syndrome; POLYPOSIS, HAMARTOMATOUS INTESTINAL; POLYPS-AND-SPOTS SYNDROME. Identifiers: Orphanet 2869, MedGen C0031269, MeSH D010580, MONDO:0008280, OMIM 175200.

Allele frequency attached by ClinVar (database versions not stated): ExAC 0.00002; gnomAD exomes 0.00002 and 0.00003; TOPMed 0.00002; gnomAD 0.00001.
gnomAD v4.1: 41 of 1,590,130 alleles (0.0026%); highest among the groups gnomAD compares: African/African-American, 0.004%; no homozygotes.

Submissions (13):

Labcorp Genetics (formerly Invitae), Labcorp
Classification: Likely benign for Peutz-Jeghers syndrome. Last evaluated: 2025-12-24. Review status: criteria provided, single submitter. Criteria: Invitae Variant Classification Sherloc (09022015). Collection method: clinical testing. Allele origin: germline.

Molecular Pathology, Peter Maccallum Cancer Centre
Classification: Uncertain significance for Peutz-Jeghers syndrome. Last evaluated: 2025-06-04. Review status: criteria provided, single submitter. Criteria: ACMG Guidelines, 2015. Collection method: clinical testing. Allele origin: germline. Inheritance: Autosomal dominant inheritance.

PreventionGenetics, part of Exact Sciences
Classification: Uncertain significance for STK11-related condition. Last evaluated: 2025-05-08. Review status: criteria provided, single submitter. Criteria: ACMG Guidelines, 2015. Collection method: clinical testing. Allele origin: germline.
Comment: The STK11 c.614C>T variant is predicted to result in the amino acid substitution p.Ala205Val. To our knowledge, this variant has not been reported in the literature. This variant is reported in 0.0088% of alleles in individuals of African descent in gnomAD. This variant has conflicting interpretations in ClinVar ranging from uncertain significance to likely benign. Although we suspect that this variant may be benign, at this time, the clinical significance of this variant is uncertain due to the absence of conclusive functional and genetic evidence.

Ambry Genetics
Classification: Likely benign for Hereditary cancer-predisposing syndrome. Last evaluated: 2025-01-20. Review status: criteria provided, single submitter. Criteria: Ambry Variant Classification Scheme 2023. Collection method: clinical testing. Allele origin: germline.

GeneDx
Classification: Uncertain significance. Last evaluated: 2025-01-16. Review status: criteria provided, single submitter. Criteria: GeneDx Variant Classification Process June 2021. Collection method: clinical testing. Allele origin: germline. Affected: yes.
Comment: In silico analysis supports that this missense variant has a deleterious effect on protein structure/function; Has not been previously published as pathogenic or benign to our knowledge; This variant is associated with the following publications: (PMID: 19892943, 26154128, 26010451, 15863673)

Color Diagnostics, LLC DBA Color Health
Classification: Likely benign for Hereditary cancer-predisposing syndrome. Last evaluated: 2024-11-18. Review status: criteria provided, single submitter. Criteria: ACMG Guidelines, 2015. Collection method: clinical testing. Allele origin: germline.

All of Us Research Program, National Institutes of Health
Classification: Uncertain significance for Peutz-Jeghers syndrome. Last evaluated: 2024-08-29. Review status: criteria provided, single submitter. Criteria: ACMG Guidelines, 2015. Collection method: clinical testing. Allele origin: germline. Inheritance: Autosomal dominant inheritance. Observed: 7 variant alleles, 7 heterozygotes.
Comment: This missense variant replaces alanine with valine at codon 205 of the STK11 protein. Computational prediction suggests that this variant may not impact protein structure and function (internally defined REVEL score threshold <= 0.5, PMID: 27666373). To our knowledge, functional studies have not been reported for this variant. This variant has not been reported in individuals affected with STK11-related disorders in the literature. This variant has been identified in 4/209296 chromosomes in the general population by the Genome Aggregation Database (gnomAD). The available evidence is insufficient to determine the role of this variant in disease conclusively. Therefore, this variant is classified as a Variant of Uncertain Significance.

This study involves interpretation of variants in research participants for the purpose of population health screening. Participant phenotype was not available at the time of variant classification. Additional details can be found in publication PMID: 35346344, PMCID: PMC8962531

Women's Health and Genetics/Laboratory Corporation of America, LabCorp
Classification: Likely benign. Last evaluated: 2024-04-18. Review status: criteria provided, single submitter. Criteria: LabCorp Variant Classification Summary - May 2015. Collection method: clinical testing. Allele origin: germline.
Comment: Variant summary: STK11 c.614C>T (p.Ala205Val) results in a non-conservative amino acid change in the encoded protein sequence. Three of five in-silico tools predict a benign effect of the variant on protein function. The variant allele was found at a frequency of 2.6e-05 in 1590130 control chromosomes (gnomAD v4.0.0). The observed variant frequency is approximately 4 fold of the estimated maximal expected allele frequency for a pathogenic variant in STK11 causing Peutz-Jeghers Syndrome phenotype (6.3e-06), strongly suggesting that the variant is benign. To our knowledge, no occurrence of c.614C>T in individuals affected with Peutz-Jeghers Syndrome and no experimental evidence demonstrating its impact on protein function have been reported. ClinVar contains an entry for this variant (Variation ID: 142443). Based on the evidence outlined above, the variant was classified as likely benign.

Myriad Genetics, Inc.
Classification: Uncertain significance for Peutz-Jeghers syndrome. Last evaluated: 2023-04-14. Review status: criteria provided, single submitter. Criteria: Myriad Autosomal Dominant, Autosomal Recessive and X-Linked Classification Criteria (2023). Collection method: clinical testing. Allele origin: unknown.
Comment: This variant is classified as a variant of uncertain significance as there is insufficient evidence to determine its impact on protein function and/or cancer risk.

Institute of Human Genetics, University of Leipzig Medical Center
Classification: Uncertain significance for Peutz-Jeghers syndrome. Last evaluated: 2022-07-08. Review status: criteria provided, single submitter. Criteria: ACMG Guidelines, 2015. Collection method: clinical testing. Allele origin: unknown. Affected: yes.
Comment: _x000D_ Criteria applied: PM2_SUP, PP3

Sema4
Classification: Uncertain significance for Hereditary cancer-predisposing syndrome. Last evaluated: 2021-08-23. Review status: criteria provided, single submitter. Criteria: Sema4 Curation Guidelines. Collection method: curation. Allele origin: germline.
Comment: To the best of our knowledge, the STK11 c.614C>T (p.A205V) variant has not been reported in individuals with STK11-related disease. This variant was observed in 1/11402 chromosomes in the African population according to the Genome Aggregation Database (PMID: 32461654) and has been reported in ClinVar (Variation ID: 142443). Functional studies have not been performed, and in silico predictions of the variant's effect on protein function are inconclusive. Based on the current evidence available, this variant is interpreted as a variant of uncertain significance.

Genome-Nilou Lab
Classification: Uncertain significance for Peutz-Jeghers syndrome. Last evaluated: 2021-07-15. Review status: criteria provided, single submitter. Criteria: ACMG Guidelines, 2015. Collection method: clinical testing. Allele origin: germline. Affected: no.

Counsyl
Classification: Uncertain significance for Peutz-Jeghers syndrome. Last evaluated: 2015-11-23. Review status: no assertion criteria provided. Collection method: clinical testing. Allele origin: unknown. Not counted in ClinVar's aggregate classification.

NM_000455.5(STK11):c.614C>T (p.Ala205Val)

Gene: STK11 (serine/threonine kinase 11; plus strand). Cytogenetic location: 19p13.3.
Variant type: single nucleotide variant.
Coding change: c.614C>T on transcript NM_000455.5 (MANE Select); coding-DNA position 614, C replaced by T.
Protein change: p.Ala205Val; replaces alanine 205 with valine.
Molecular consequence: missense variant.
Genome position (GRCh38, 1-based): chr19:1,220,597, C>T. VCF-style: chr19-1220597-C-T. GRCh37 (hg19) VCF-style: chr19-1220596-C-T.
Other names: short protein forms A205V.
Identifiers: ClinVar variation 142443 (VCV000142443.37), dbSNP rs587782468, ClinGen allele CA023150.